The following is an entry in ClinVar:

NM_000051.4(ATM):c.1112del (p.Thr371fs)

Gene: ATM (ATM serine/threonine kinase; plus strand). Cytogenetic location: 11q22.3.
Variant type: Deletion.
Coding change: c.1112del on transcript NM_000051.4 (MANE Select); coding-DNA position 1112, one base deleted (C; older notation c.1112delC).
Protein change: p.Thr371fs; shifts the reading frame from threonine 371.
Molecular consequence: frameshift variant.
Genome position (GRCh38, 1-based): chr11:108,248,979, C deleted. VCF-style (leftmost placement, unchanged base first): chr11-108248978-AC-A. GRCh37 (hg19) VCF-style: chr11-108119705-AC-A.
Other names: c.1112del, p.Thr371fs (NM_001351834.2); short protein forms T371fs.
Identifiers: ClinVar variation 3802068 (VCV003802068.1).
Genomic context (GRCh38, chr11:108,248,978, plus strand): 5'-ATTTTTATTTTACAGGTTTTTAATGAAGATACCAGATCCTTGGAGATTTCTCAATCTTAC[AC>A]TACTACACAAAGAGAATCTAGTGATTACAGTGTCCCTTGCAAAAGGAAGAAAATAGAACT-3'

ClinVar aggregate classification (germline): Pathogenic (1 of 4 stars; one submission).

Conditions:
Hereditary cancer-predisposing syndrome. Also called: Neoplastic Syndromes, Hereditary; Hereditary Cancer Syndrome; Tumor predisposition; Hereditary neoplastic syndrome. Identifiers: Orphanet 140162, MedGen C0027672, MeSH D009386, MONDO:0015356.

Submission:

Ambry Genetics
Classification: Pathogenic for Hereditary cancer-predisposing syndrome. Last evaluated: 2025-02-05. Review status: criteria provided, single submitter. Criteria: Ambry Variant Classification Scheme 2023. Collection method: clinical testing. Allele origin: germline.
Comment: The c.1112delC pathogenic mutation, located in coding exon 8 of the ATM gene, results from a deletion of one nucleotide at nucleotide position 1112, causing a translational frameshift with a predicted alternate stop codon (p.T371Ifs*19). This variant is considered to be rare based on population cohorts in the Genome Aggregation Database (gnomAD). This alteration is expected to result in loss of function by premature protein truncation or nonsense-mediated mRNA decay. As such, this alteration is interpreted as a disease-causing mutation.